The following is an entry in ClinVar:

ClinVar aggregate classification (germline): Uncertain significance (1 of 4 stars; one submission).

Conditions:
Inborn genetic diseases. Identifiers: MedGen C0950123, MeSH D030342.

Submission:

Ambry Genetics
Classification: Uncertain significance for Inborn genetic diseases. Last evaluated: 2026-06-10. Review status: criteria provided, single submitter. Criteria: Ambry Variant Classification Scheme 2023. Collection method: clinical testing. Allele origin: germline.
Comment: The p.P289S variant (also known as c.865C>T), located in coding exon 9 of the ASXL1 gene, results from a C to T substitution at nucleotide position 865. The proline at codon 289 is replaced by serine, an amino acid with similar properties. This amino acid position is conserved. In addition, this alteration is predicted to be deleterious by in silico analysis. Based on the available evidence, the clinical significance of this variant remains unclear.

NM_015338.6(ASXL1):c.865C>T (p.Pro289Ser)

Gene: ASXL1 (ASXL transcriptional regulator 1; plus strand). Cytogenetic location: 20q11.21.
Variant type: single nucleotide variant.
Coding change: c.865C>T on transcript NM_015338.6 (MANE Select); coding-DNA position 865, C replaced by T.
Protein change: p.Pro289Ser; replaces proline 289 with serine.
Molecular consequence: missense variant.
Genome position (GRCh38, 1-based): chr20:32,431,467, C>T. VCF-style: chr20-32431467-C-T. GRCh37 (hg19) VCF-style: chr20-31019270-C-T.
Other names: c.682C>T, p.Pro228Ser (NM_001363734.1); short protein forms P228S, P289S.
Identifiers: ClinVar variation 4865032 (VCV004865032.1).